The following is an entry in ClinVar:

NM_020987.5(ANK3):c.9965C>T (p.Ser3322Phe)

Gene: ANK3 (ankyrin 3; minus strand). Cytogenetic location: 10q21.2.
Variant type: single nucleotide variant.
Coding change: c.9965C>T on transcript NM_020987.5 (MANE Select); coding-DNA position 9965, C replaced by T.
Protein change: p.Ser3322Phe; replaces serine 3322 with phenylalanine.
Molecular consequence: missense variant. On other transcripts: intron variant (4).
Genome position (GRCh38, 1-based): chr10:60,070,916, G>A on the plus strand (C>T on the coding strand, the complement: ANK3 is on the minus strand). VCF-style: chr10-60070916-G-A. GRCh37 (hg19) VCF-style: chr10-61830674-G-A.
Other names: c.4388-2907C>T (NM_001204403.2); c.4409-2907C>T (NM_001204404.2); c.4406-2907C>T (NM_001320874.2); c.1808-2907C>T (NM_001149.4); short protein forms S3322F.
Identifiers: ClinVar variation 1030749 (VCV001030749.6), dbSNP rs181680457, ClinGen allele CA5511304.

ClinVar aggregate classification (germline): Uncertain significance. Review status: criteria provided, multiple submitters, no conflicts (2 of 4 stars). 4 submissions from 4 submitters: Uncertain significance (4). Last evaluated 2025-11-26.

Conditions:
Inborn genetic diseases. Identifiers: MedGen C0950123, MeSH D030342.
Intellectual developmental disorder, autosomal recessive 37. Also called: Intellectual disability-hypotonia-spasticity-sleep disorder syndrome. Identifiers: Orphanet 356996, MedGen C3809672, MONDO:0014210, OMIM 615493.

Allele frequency attached by ClinVar (database versions not stated): ExAC 0.00001; 1000 Genomes Project 30x 0.00016; 1000 Genomes Project 0.00020; TOPMed 0.00011; gnomAD exomes below 0.00001; gnomAD 0.00007.
gnomAD v4.1: 17 of 1,614,038 alleles (0.0011%); highest among the groups gnomAD compares: Admixed American, 0.018%; 1 homozygote.

Submissions (4):

Ambry Genetics
Classification: Uncertain significance for Inborn genetic diseases. Last evaluated: 2025-11-26. Review status: criteria provided, single submitter. Criteria: Ambry Variant Classification Scheme 2023. Collection method: clinical testing. Allele origin: germline.

Greenwood Genetic Center Diagnostic Laboratories, Greenwood Genetic Center
Classification: Uncertain significance. Last evaluated: 2025-11-12. Review status: criteria provided, single submitter. Criteria: ACMG Guidelines, 2015. Collection method: clinical testing. Allele origin: germline. Affected: yes.
Comment: PM2, BP4, PP2

Labcorp Genetics (formerly Invitae), Labcorp
Classification: Uncertain significance. Last evaluated: 2022-01-10. Review status: criteria provided, single submitter. Criteria: Invitae Variant Classification Sherloc (09022015). Collection method: clinical testing. Allele origin: germline.
Comment: This sequence change replaces serine, which is neutral and polar, with phenylalanine, which is neutral and non-polar, at codon 3322 of the ANK3 protein (p.Ser3322Phe). This variant is present in population databases (rs181680457, gnomAD 0.003%). This variant has not been reported in the literature in individuals affected with ANK3-related conditions. ClinVar contains an entry for this variant (Variation ID: 1030749). Algorithms developed to predict the effect of missense changes on protein structure and function are either unavailable or do not agree on the potential impact of this missense change (SIFT: "Not Available"; PolyPhen-2: "Probably Damaging"; Align-GVGD: "Not Available"). In summary, the available evidence is currently insufficient to determine the role of this variant in disease. Therefore, it has been classified as a Variant of Uncertain Significance.

Baylor Genetics
Classification: Uncertain significance for Intellectual developmental disorder, autosomal recessive 37. Last evaluated: 2019-07-26. Review status: criteria provided, single submitter. Criteria: ACMG Guidelines, 2015. Collection method: clinical testing. Allele origin: unknown. Affected: yes.
Comment: This variant was determined to be of uncertain significance according to ACMG Guidelines, 2015 [PMID:25741868].